The following is an entry in ClinVar:

ClinVar aggregate classification (germline): Uncertain significance (1 of 4 stars; one submission).

Allele frequency attached by ClinVar (database versions not stated): ESP Exome Variant Server 0.00008; ExAC 0.00012; gnomAD 0.00006; TOPMed 0.00008; gnomAD exomes 0.00009.
gnomAD v4.1: 136 of 1,610,036 alleles (0.0084%); highest among the groups gnomAD compares: Admixed American, 0.037%; no homozygotes.

Submission:

Labcorp Genetics (formerly Invitae), Labcorp
Classification: Uncertain significance. Last evaluated: 2023-08-30. Review status: criteria provided, single submitter. Criteria: Invitae Variant Classification Sherloc (09022015). Collection method: clinical testing. Allele origin: germline.
Comment: In summary, the available evidence is currently insufficient to determine the role of this variant in disease. Therefore, it has been classified as a Variant of Uncertain Significance. An algorithm developed to predict the effect of missense changes on protein structure and function (PolyPhen-2) suggests that this variant is likely to be tolerated. ClinVar contains an entry for this variant (Variation ID: 2076003). This variant has not been reported in the literature in individuals affected with SEC63-related conditions. This variant is present in population databases (rs371164630, gnomAD 0.06%), and has an allele count higher than expected for a pathogenic variant. This sequence change replaces arginine, which is basic and polar, with glutamine, which is neutral and polar, at codon 348 of the SEC63 protein (p.Arg348Gln).

NM_007214.5(SEC63):c.1043G>A (p.Arg348Gln)

Gene: SEC63 (SEC63 protein translocation regulator; minus strand). Cytogenetic location: 6q21.
Variant type: single nucleotide variant.
Coding change: c.1043G>A on transcript NM_007214.5 (MANE Select); coding-DNA position 1043, G replaced by A.
Protein change: p.Arg348Gln; replaces arginine 348 with glutamine.
Molecular consequence: missense variant.
Genome position (GRCh38, 1-based): chr6:107,904,640, C>T on the plus strand (G>A on the coding strand, the complement: SEC63 is on the minus strand). VCF-style: chr6-107904640-C-T. GRCh37 (hg19) VCF-style: chr6-108225844-C-T.
Other names: short protein forms R348Q.
Identifiers: ClinVar variation 2076003 (VCV002076003.4), dbSNP rs371164630, ClinGen allele CA3947518.
Genomic context (GRCh38, chr6:107,904,640, plus strand): 5'-TATGCTTGCAAGAAAAAGTATAACATAATTAACTATATTTCCTCCTCACCTTCACGGTTC[C>T]GGGCCATTACTATTAGTTGGCAGATTACATTAACCATTTCTTGAAGTAGGGCAGGACACT-3'
Protein context (NP_009145.1, residues 338-358): NVICQLIVMA[Arg348Gln]NREEREFRAP